The following is an entry in ClinVar:

ClinVar aggregate classification (germline): Uncertain significance (1 of 4 stars; one submission).

Conditions:
Inborn genetic diseases. Identifiers: MedGen C0950123, MeSH D030342.

Submission:

Ambry Genetics
Classification: Uncertain significance for Inborn genetic diseases. Last evaluated: 2024-04-27. Review status: criteria provided, single submitter. Criteria: Ambry Variant Classification Scheme 2023. Collection method: clinical testing. Allele origin: germline.
Comment: The p.L374P variant (also known as c.1121T>C), located in coding exon 10 of the LRRK2 gene, results from a T to C substitution at nucleotide position 1121. The leucine at codon 374 is replaced by proline, an amino acid with similar properties. This amino acid position is conserved. In addition, this alteration is predicted to be deleterious by in silico analysis. Since supporting evidence is limited at this time, the clinical significance of this alteration remains unclear.

NM_198578.4(LRRK2):c.1121T>C (p.Leu374Pro)

Gene: LRRK2 (leucine rich repeat kinase 2; plus strand). Cytogenetic location: 12q12.
Variant type: single nucleotide variant.
Coding change: c.1121T>C on transcript NM_198578.4 (MANE Select); coding-DNA position 1121, T replaced by C.
Protein change: p.Leu374Pro; replaces leucine 374 with proline.
Molecular consequence: missense variant.
Genome position (GRCh38, 1-based): chr12:40,251,484, T>C. VCF-style: chr12-40251484-T-C. GRCh37 (hg19) VCF-style: chr12-40645286-T-C.
Other names: short protein forms L374P.
Identifiers: ClinVar variation 1797974 (VCV001797974.3), dbSNP rs2499505357, ClinGen allele CA384408071.